The following is an entry in ClinVar:

ClinVar aggregate classification (germline): Pathogenic/Likely pathogenic. Review status: criteria provided, multiple submitters, no conflicts (2 of 4 stars). 2 submissions from 2 submitters: Pathogenic (1); Likely pathogenic (1). Last evaluated 2025-04-08.

Conditions:
Hereditary breast ovarian cancer syndrome. Also called: Hereditary breast and ovarian cancer syndrome (HBOC); Breast and ovarian cancer; Hereditary breast and ovarian cancer syndrome; Hereditary breast and ovarian cancer; BRCA1- and BRCA2-Associated Hereditary Breast and Ovarian Cancer; Hereditary breast and/or ovarian cancer syndrome. Identifiers: Orphanet 145, MedGen C0677776, MeSH D061325, MONDO:0003582. Disease mechanism: loss of function.
Breast-ovarian cancer, familial, susceptibility to, 2 (BROVCA2). Also called: BRCA2 Hereditary Breast and Ovarian Cancer. Identifiers: Orphanet 145, MedGen C2675520, MONDO:0012933, OMIM 612555. Disease mechanism: loss of function.

Submissions (2):

Labcorp Genetics (formerly Invitae), Labcorp
Classification: Pathogenic for Hereditary breast ovarian cancer syndrome. Last evaluated: 2025-04-08. Review status: criteria provided, single submitter. Criteria: Invitae Variant Classification Sherloc (09022015). Collection method: clinical testing. Allele origin: germline.
Comment: This sequence change affects an acceptor splice site in intron 19 of the BRCA2 gene. RNA analysis indicates that disruption of this splice site induces altered splicing and may result in an absent or altered protein product. This variant is not present in population databases (gnomAD no frequency). Disruption of this splice site has been observed in individual(s) with hereditary breast and ovarian cancer (PMID: 22632462, 30702160, 31825140). ClinVar contains an entry for this variant (Variation ID: 584861). Studies have shown that disruption of this splice site alters mRNA splicing and is expected to lead to the loss of protein expression (PMID: 22632462). For these reasons, this variant has been classified as Pathogenic.

Mendelics
Classification: Likely pathogenic for Breast-ovarian cancer, familial, susceptibility to, 2. Last evaluated: 2019-05-28. Review status: criteria provided, single submitter. Criteria: Mendelics Assertion Criteria 2017. Collection method: clinical testing. Allele origin: unknown.

Literature cited by the submitters: PubMed 22632462 (cited by Labcorp Genetics (formerly Invitae), Labcorp); PubMed 30702160 (cited by Labcorp Genetics (formerly Invitae), Labcorp); PubMed 31825140 (cited by Labcorp Genetics (formerly Invitae), Labcorp).

NM_000059.4(BRCA2):c.8488-2A>C

Gene: BRCA2 (BRCA2 DNA repair associated; plus strand). Cytogenetic location: 13q13.1.
Variant type: single nucleotide variant.
Coding change: c.8488-2A>C on transcript NM_000059.4 (MANE Select); the canonical splice acceptor site of the intron before coding-DNA position 8488, A replaced by C.
Molecular consequence: splice acceptor variant.
Genome position (GRCh38, 1-based): chr13:32,370,954, A>C. VCF-style: chr13-32370954-A-C. GRCh37 (hg19) VCF-style: chr13-32945091-A-C.
Other names: c.8488-2A>C (NM_001406720.1); c.8392-2A>C (NM_001406719.1); c.3556-2A>C (NM_001406721.1); c.2071-2A>C (NM_001406722.1).
Identifiers: ClinVar variation 584861 (VCV000584861.12), dbSNP rs773272765, ClinGen allele CA387752652.